The following is an entry in ClinVar:

ClinVar aggregate classification (germline): Uncertain significance (1 of 4 stars; one submission).

gnomAD v4.1: 1 of 1,613,676 alleles (0.000062%); highest among the groups gnomAD compares: Non-Finnish European, 0.000085%; no homozygotes.

Submission:

Labcorp Genetics (formerly Invitae), Labcorp
Classification: Uncertain significance. Last evaluated: 2025-09-07. Review status: criteria provided, single submitter. Criteria: Invitae Variant Classification Sherloc (09022015). Collection method: clinical testing. Allele origin: germline.
Comment: This sequence change replaces glycine, which is neutral and non-polar, with aspartic acid, which is acidic and polar, at codon 481 of the COL9A3 protein (p.Gly481Asp). This variant is not present in population databases (gnomAD no frequency). This variant has not been reported in the literature in individuals affected with COL9A3-related conditions. Invitae Evidence Modeling of protein sequence and biophysical properties (such as structural, functional, and spatial information, amino acid conservation, physicochemical variation, residue mobility, and thermodynamic stability) indicates that this missense variant is expected to disrupt COL9A3 protein function with a positive predictive value of 95%. In summary, the available evidence is currently insufficient to determine the role of this variant in disease. Therefore, it has been classified as a Variant of Uncertain Significance.

NM_001853.4(COL9A3):c.1442G>A (p.Gly481Asp)

Genes: COL9A3 (collagen type IX alpha 3 chain; plus strand), LOC126863084 (MED14-independent group 3 enhancer GRCh37_chr20:61467141-61468340; plus strand). Cytogenetic location: 20q13.33.
Variant type: single nucleotide variant.
Coding change: c.1442G>A on transcript NM_001853.4 (MANE Select); coding-DNA position 1442, G replaced by A.
Protein change: p.Gly481Asp; replaces glycine 481 with aspartic acid.
Molecular consequence: missense variant.
Genome position (GRCh38, 1-based): chr20:62,836,227, G>A. VCF-style: chr20-62836227-G-A. GRCh37 (hg19) VCF-style: chr20-61467579-G-A.
Other names: short protein forms G481D.
Identifiers: ClinVar variation 4803144 (VCV004803144.1).